The following is an entry in ClinVar:

NM_001287491.2(TET3):c.702C>G (p.Asn234Lys)

Gene: TET3 (tet methylcytosine dioxygenase 3; plus strand). Cytogenetic location: 2p13.1.
Variant type: single nucleotide variant.
Coding change: c.702C>G on transcript NM_001287491.2 (MANE Select); coding-DNA position 702, C replaced by G.
Protein change: p.Asn234Lys; replaces asparagine 234 with lysine.
Molecular consequence: missense variant.
Genome position (GRCh38, 1-based): chr2:74,046,619, C>G. VCF-style: chr2-74046619-C-G. GRCh37 (hg19) VCF-style: chr2-74273746-C-G.
Other names: c.423C>G, p.Asn141Lys (NM_001366022.1); short protein forms N141K, N234K.
Identifiers: ClinVar variation 3376476 (VCV003376476.1).
Genomic context (GRCh38, chr2:74,046,619, plus strand): 5'-GGCCCTTAGCACCCGGCTCTATGAAACCTTCAACCGTGAGATGAGTCGTGAGGCTGGGAA[C>G]AACAGCAGGGGACCCCGGCCAGGGCCTGAGGGCTGCTCTGCTGGCAGCGAAGACCTTGAC-3'
Protein context (NP_001274420.1, residues 224-244): FNREMSREAG[Asn234Lys]NSRGPRPGPE

ClinVar aggregate classification (germline): Uncertain significance (1 of 4 stars; one submission).

Conditions:
Beck-Fahrner syndrome (BEFAHRS). Identifiers: Orphanet 684216, MedGen C5394097, MONDO:0032922, OMIM 618798.

gnomAD v4.1: 10 of 1,614,062 alleles (0.00062%); highest among the groups gnomAD compares: Non-Finnish European, 0.00076%; no homozygotes.

Submission:

Pittsburgh Clinical Genomics Laboratory, University of Pittsburgh Medical Center
Classification: Uncertain significance for Beck-Fahrner syndrome. Last evaluated: 2024-03-22. Review status: criteria provided, single submitter. Criteria: ACMG Guidelines, 2015. Collection method: clinical testing. Allele origin: germline. Inheritance: Autosomal unknown. Affected: yes.
Comment: This sequence variant is a single nucleotide substitution (C>G) at position 702 of the coding sequence of the TET3 gene that results in an asparagine to lysine amino acid change at residue 234 of the tet methylcytosine dioxygenase 3 protein. This variant is not listed in ClinVar, and there have been no reports of it in individuals with TET3-related disorders in the published literature. This variant is present in 10/1461696 alleles (0.0006841%) in the gnomAD v4.0.0 population dataset. Multiple bioinformatic tools predict that this amino acid change would be neutral, and the Asn234 residue at this position is poorly conserved across the vertebrate species examined. Studies examining the functional consequence of this variant have not been performed, to our knowledge. At this time, there is insufficient evidence to determine if this variant is pathogenic or benign. Therefore, we consider this a variant of uncertain significance. ACMG Criteria: BP4, PM2